The following is an entry in ClinVar:

ClinVar aggregate classification (germline): Uncertain significance (1 of 4 stars; one submission).

Conditions:
PLXNA2-related disorder. Also called: PLXNA2-related condition.

gnomAD v4.1: 2 of 1,613,974 alleles (0.00012%); highest among the groups gnomAD compares: African/African-American, 0.0013%; no homozygotes.

Submission:

PreventionGenetics, part of Exact Sciences
Classification: Uncertain significance for PLXNA2-related condition. Last evaluated: 2025-05-15. Review status: criteria provided, single submitter. Criteria: ACMG Guidelines, 2015. Collection method: clinical testing. Allele origin: germline.
Comment: The PLXNA2 c.4319A>G variant is predicted to result in the amino acid substitution p.Asn1440Ser. To our knowledge, this variant has not been reported in the literature. This variant is reported in 0.0062% of alleles in individuals of African descent in gnomAD. At this time, the clinical significance of this variant is uncertain due to the absence of conclusive functional and genetic evidence.

NM_025179.4(PLXNA2):c.4319A>G (p.Asn1440Ser)

Gene: PLXNA2 (plexin A2; minus strand). Cytogenetic location: 1q32.2.
Variant type: single nucleotide variant.
Coding change: c.4319A>G on transcript NM_025179.4 (MANE Select); coding-DNA position 4319, A replaced by G.
Protein change: p.Asn1440Ser; replaces asparagine 1440 with serine.
Molecular consequence: missense variant.
Genome position (GRCh38, 1-based): chr1:208,040,026, T>C on the plus strand (A>G on the coding strand, the complement: PLXNA2 is on the minus strand). VCF-style: chr1-208040026-T-C. GRCh37 (hg19) VCF-style: chr1-208213371-T-C.
Other names: short protein forms N1440S.
Identifiers: ClinVar variation 4996834 (VCV004996834.1).